The following is an entry in ClinVar:

ClinVar aggregate classification (germline): Conflicting classifications of pathogenicity. Review status: criteria provided, conflicting classifications (1 of 4 stars). 5 submissions from 5 submitters: Uncertain significance (4); Likely benign (1). Last evaluated 2025-08-31.

Conditions:
Spastic paraplegia. Identifiers: MedGen C0037772, HP:0001258.
Myoclonus, intractable, neonatal (NEIMY). Identifiers: MedGen C4310658, MONDO:0014979, OMIM 617235.
Inborn genetic diseases. Identifiers: MedGen C0950123, MeSH D030342.
Hereditary spastic paraplegia. Also called: Familial spastic paraparesis. Identifiers: Orphanet 685, MedGen C0037773, MONDO:0019064. Disease mechanism: loss of function.

Allele frequency attached by ClinVar (database versions not stated): TOPMed below 0.00001; ExAC 0.00001; gnomAD 0.00001; gnomAD exomes 0.00001 and 0.00002.
gnomAD v4.1: 10 of 1,614,018 alleles (0.00062%); highest among the groups gnomAD compares: Non-Finnish European, 0.00085%; no homozygotes.

Submissions (5):

Ambry Genetics
Classification: Uncertain significance for Inborn genetic diseases. Last evaluated: 2025-08-31. Review status: criteria provided, single submitter. Criteria: Ambry Variant Classification Scheme 2023. Collection method: clinical testing. Allele origin: germline.

Labcorp Genetics (formerly Invitae), Labcorp
Classification: Uncertain significance for Spastic paraplegia. Last evaluated: 2025-01-20. Review status: criteria provided, single submitter. Criteria: Invitae Variant Classification Sherloc (09022015). Collection method: clinical testing. Allele origin: germline.
Comment: This sequence change replaces alanine, which is neutral and non-polar, with serine, which is neutral and polar, at codon 355 of the KIF5A protein (p.Ala355Ser). This variant is present in population databases (rs749301835, gnomAD 0.003%). This variant has not been reported in the literature in individuals affected with KIF5A-related conditions. ClinVar contains an entry for this variant (Variation ID: 1029910). Invitae Evidence Modeling of protein sequence and biophysical properties (such as structural, functional, and spatial information, amino acid conservation, physicochemical variation, residue mobility, and thermodynamic stability) indicates that this missense variant is not expected to disrupt KIF5A protein function with a negative predictive value of 95%. In summary, the available evidence is currently insufficient to determine the role of this variant in disease. Therefore, it has been classified as a Variant of Uncertain Significance.

Women's Health and Genetics/Laboratory Corporation of America, LabCorp
Classification: Uncertain significance. Last evaluated: 2024-01-03. Review status: criteria provided, single submitter. Criteria: LabCorp Variant Classification Summary - May 2015. Collection method: clinical testing. Allele origin: germline.
Comment: Variant summary: KIF5A c.1063G>T (p.Ala355Ser) results in a conservative amino acid change in the encoded protein sequence. Five of five in-silico tools predict a benign effect of the variant on protein function. The variant allele was found at a frequency of 1.2e-05 in 247870 control chromosomes. The available data on variant occurrences in the general population are insufficient to allow any conclusion about variant significance. To our knowledge, no occurrence of c.1063G>T in individuals affected with KIF5A-Related Disorders and no experimental evidence demonstrating its impact on protein function have been reported. Three submitters have cited clinical-significance assessments for this variant to ClinVar after 2014 (Likely benign, n=1; VUS, n=2). Based on the evidence outlined above, the variant was classified as uncertain significance.

Baylor Genetics
Classification: Uncertain significance for Myoclonus, intractable, neonatal. Last evaluated: 2020-10-28. Review status: criteria provided, single submitter. Criteria: ACMG Guidelines, 2015. Collection method: clinical testing. Allele origin: paternal. Affected: yes.
Comment: This variant was determined to be of uncertain significance according to ACMG Guidelines, 2015 [PMID:25741868].

Genome Diagnostics Laboratory, The Hospital for Sick Children
Classification: Likely benign for Hereditary spastic paraplegia. Last evaluated: 2019-11-01. Review status: criteria provided, single submitter. Criteria: ACMG Guidelines, 2015. Collection method: clinical testing. Allele origin: germline. Affected: yes.

NM_004984.4(KIF5A):c.1063G>T (p.Ala355Ser)

Gene: KIF5A (kinesin family member 5A; plus strand). Cytogenetic location: 12q13.3.
Variant type: single nucleotide variant.
Coding change: c.1063G>T on transcript NM_004984.4 (MANE Select); coding-DNA position 1063, G replaced by T.
Protein change: p.Ala355Ser; replaces alanine 355 with serine.
Molecular consequence: missense variant.
Genome position (GRCh38, 1-based): chr12:57,569,629, G>T. VCF-style: chr12-57569629-G-T. GRCh37 (hg19) VCF-style: chr12-57963412-G-T.
Other names: c.796G>T, p.Ala266Ser (NM_001354705.2); short protein forms A355S, A266S.
Identifiers: ClinVar variation 1029910 (VCV001029910.13), dbSNP rs749301835, ClinGen allele CA6652740.